The following is an entry in ClinVar:

NM_030665.4(RAI1):c.3025G>A (p.Glu1009Lys)

Gene: RAI1 (retinoic acid induced 1; plus strand). Cytogenetic location: 17p11.2.
Variant type: single nucleotide variant.
Coding change: c.3025G>A on transcript NM_030665.4 (MANE Select); coding-DNA position 3025, G replaced by A.
Protein change: p.Glu1009Lys; replaces glutamic acid 1009 with lysine.
Molecular consequence: missense variant.
Genome position (GRCh38, 1-based): chr17:17,795,973, G>A. VCF-style: chr17-17795973-G-A. GRCh37 (hg19) VCF-style: chr17-17699287-G-A.
Other names: short protein forms E1009K.
Identifiers: ClinVar variation 3692532 (VCV003692532.2).
Genomic context (GRCh38, chr17:17,795,973, plus strand): 5'-AAAGAGCCTGTGCCACGGGGCAAAAGCTTACGGAGCCGTCGGGTGCACCGGGGGCTGCCC[G>A]AGGCCGAGGACTCCCCATGCAGGGCACCAGTGCTGCCCAAAGACCTCTTGCTCCCTGAAT-3'
Protein context (NP_109590.3, residues 999-1019): RSRRVHRGLP[Glu1009Lys]AEDSPCRAPV

ClinVar aggregate classification (germline): Uncertain significance (1 of 4 stars; one submission).

gnomAD v4.1: 2 of 1,601,518 alleles (0.00012%); highest among the groups gnomAD compares: South Asian, 0.0011%; no homozygotes.

Submission:

Labcorp Genetics (formerly Invitae), Labcorp
Classification: Uncertain significance. Last evaluated: 2024-04-25. Review status: criteria provided, single submitter. Criteria: Invitae Variant Classification Sherloc (09022015). Collection method: clinical testing. Allele origin: germline.
Comment: This sequence change replaces glutamic acid, which is acidic and polar, with lysine, which is basic and polar, at codon 1009 of the RAI1 protein (p.Glu1009Lys). This variant is not present in population databases (gnomAD no frequency). This variant has not been reported in the literature in individuals affected with RAI1-related conditions. Advanced modeling of protein sequence and biophysical properties (such as structural, functional, and spatial information, amino acid conservation, physicochemical variation, residue mobility, and thermodynamic stability) performed at Invitae indicates that this missense variant is not expected to disrupt RAI1 protein function with a negative predictive value of 80%. In summary, the available evidence is currently insufficient to determine the role of this variant in disease. Therefore, it has been classified as a Variant of Uncertain Significance.